The following is an entry in ClinVar:

NM_001131016.2(CIZ1):c.1865G>A (p.Gly622Glu)

Gene: CIZ1 (CDKN1A interacting zinc finger protein 1; minus strand). Cytogenetic location: 9q34.11.
Variant type: single nucleotide variant.
Coding change: c.1865G>A on transcript NM_001131016.2 (MANE Select); coding-DNA position 1865, G replaced by A.
Protein change: p.Gly622Glu; replaces glycine 622 with glutamic acid.
Molecular consequence: missense variant.
Genome position (GRCh38, 1-based): chr9:128,176,429, C>T on the plus strand (G>A on the coding strand, the complement: CIZ1 is on the minus strand). VCF-style: chr9-128176429-C-T. GRCh37 (hg19) VCF-style: chr9-130938708-C-T.
Other names: c.1697G>A, p.Gly566Glu (NM_001131015.2); c.1682G>A, p.Gly561Glu (NM_001131017.2); c.1625G>A, p.Gly542Glu (NM_001131018.2); c.1955G>A, p.Gly652Glu (NM_001257975.2); c.1562G>A, p.Gly521Glu (NM_001257976.2); c.1865G>A, p.Gly622Glu (NM_012127.3); short protein forms G542E, G561E, G652E, G521E, G622E, G566E.
Identifiers: ClinVar variation 2197808 (VCV002197808.4), dbSNP rs1254810452, ClinGen allele CA375023260.
Genomic context (GRCh38, chr9:128,176,429, plus strand): 5'-ACGTCCCGGGGCACGGGCAGCAGGGACAGGAGGCAGGCTTGGCTCATGTGCTGGATCTCC[C>T]CTAGCCGCTGCTGGTGCTGAGGCTCCGACATGTGGTCCTGGAACTCCTGCAGCAGGAGGG-3'
Protein context (NP_001124488.1, residues 612-632): MSEPQHQQRL[Gly622Glu]EIQHMSQACL

ClinVar aggregate classification (germline): Uncertain significance (1 of 4 stars; one submission).

Conditions:
Dystonic disorder. Also called: Dystonia. Identifiers: MedGen C0013421, MONDO:0003441, HP:0001332.

Allele frequency attached by ClinVar (database versions not stated): gnomAD exomes below 0.00001.

Submission:

Labcorp Genetics (formerly Invitae), Labcorp
Classification: Uncertain significance for Dystonic disorder. Last evaluated: 2025-04-08. Review status: criteria provided, single submitter. Criteria: Invitae Variant Classification Sherloc (09022015). Collection method: clinical testing. Allele origin: germline.
Comment: This sequence change replaces glycine, which is neutral and non-polar, with glutamic acid, which is acidic and polar, at codon 622 of the CIZ1 protein (p.Gly622Glu). This variant is present in population databases (no rsID available, gnomAD 0.002%). This variant has not been reported in the literature in individuals affected with CIZ1-related conditions. ClinVar contains an entry for this variant (Variation ID: 2197808). An algorithm developed to predict the effect of missense changes on protein structure and function (PolyPhen-2) suggests that this variant is likely to be tolerated. In summary, the available evidence is currently insufficient to determine the role of this variant in disease. Therefore, it has been classified as a Variant of Uncertain Significance.